The following is an entry in ClinVar:

NM_001374504.1(TMPRSS6):c.1441+15C>T

Gene: TMPRSS6 (transmembrane serine protease 6; minus strand). Cytogenetic location: 22q12.3.
Variant type: single nucleotide variant.
Coding change: c.1441+15C>T on transcript NM_001374504.1 (MANE Select); 15 bases into the intron after coding-DNA position 1441, C replaced by T.
Molecular consequence: intron variant.
Genome position (GRCh38, 1-based): chr22:37,074,595, G>A on the plus strand (C>T on the coding strand, the complement: TMPRSS6 is on the minus strand). VCF-style: chr22-37074595-G-A. GRCh37 (hg19) VCF-style: chr22-37470635-G-A.
Other names: c.1441+15C>T (NM_001289000.2, NM_001289001.2, NM_153609.4).
Identifiers: ClinVar variation 341585 (VCV000341585.9), dbSNP rs111807510, ClinGen allele CA10215612.

ClinVar aggregate classification (germline): Benign. Review status: criteria provided, multiple submitters, no conflicts (2 of 4 stars). 2 submissions from 2 submitters: Benign (2). Last evaluated 2026-01-27.

Conditions:
Microcytic anemia. Identifiers: MedGen C5194182, MONDO:0001245, HP:0001935. Disease mechanism: loss of function.

Allele frequency attached by ClinVar (database versions not stated): TOPMed 0.02074; ESP Exome Variant Server 0.02184; 1000 Genomes Project 0.02456; 1000 Genomes Project 30x 0.02592.
gnomAD v4.1: 6,693 of 1,608,402 alleles (0.42%); highest among the groups gnomAD compares: African/African-American, 6.8%; 201 homozygotes.

Submissions (2):

Labcorp Genetics (formerly Invitae), Labcorp
Classification: Benign. Last evaluated: 2026-01-27. Review status: criteria provided, single submitter. Criteria: Invitae Variant Classification Sherloc (09022015). Collection method: clinical testing. Allele origin: germline.

Illumina Laboratory Services, Illumina
Classification: Benign for Iron-refractory iron deficiency anemia. Last evaluated: 2018-01-13. Review status: criteria provided, single submitter. Criteria: ICSL Variant Classification Criteria 13 December 2019. Collection method: clinical testing. Allele origin: germline.
Comment: This variant was observed in the ICSL laboratory as part of a predisposition screen in an ostensibly healthy population. It had not been previously curated by ICSL or reported in the Human Gene Mutation Database (HGMD: prior to June 1st, 2018), and was therefore a candidate for classification through an automated scoring system. Utilizing variant allele frequency, disease prevalence and penetrance estimates, and inheritance mode, an automated score was calculated to assess if this variant is too frequent to cause the disease. Based on the score and internal cut-off values, a variant classified as benign is not then subjected to further curation. The score for this variant resulted in a classification of benign for this disease.